The following is an entry in ClinVar:

ClinVar aggregate classification (germline): Uncertain significance (1 of 4 stars; one submission).

Conditions:
Autosomal dominant nocturnal frontal lobe epilepsy 5. Also called: Epilepsy, nocturnal frontal lobe, 5; KCNT1-Related Epilepsy; CILIARY DYSKINESIA, PRIMARY, 28, WITHOUT SITUS INVERSUS; CILIARY DYSKINESIA, PRIMARY, 28, WITH SITUS INVERSUS. Identifiers: Orphanet 98784, MedGen C3554306, MONDO:0014002, OMIM 615005.
Developmental and epileptic encephalopathy, 14 (DEE14). Also called: Early infantile epileptic encephalopathy 14. Identifiers: Orphanet 293181, MedGen C3554195, MONDO:0013989, OMIM 614959.

gnomAD v4.1: 2 of 1,611,560 alleles (0.00012%); highest among the groups gnomAD compares: African/African-American, 0.0027%; no homozygotes.

Submission:

Labcorp Genetics (formerly Invitae), Labcorp
Classification: Uncertain significance for Autosomal dominant nocturnal frontal lobe epilepsy 5; Developmental and epileptic encephalopathy, 14. Last evaluated: 2024-11-04. Review status: criteria provided, single submitter. Criteria: Invitae Variant Classification Sherloc (09022015). Collection method: clinical testing. Allele origin: germline.
Comment: This sequence change replaces proline, which is neutral and non-polar, with leucine, which is neutral and non-polar, at codon 397 of the KCNT1 protein (p.Pro397Leu). This variant is not present in population databases (gnomAD no frequency). This variant has not been reported in the literature in individuals affected with KCNT1-related conditions. Invitae Evidence Modeling of protein sequence and biophysical properties (such as structural, functional, and spatial information, amino acid conservation, physicochemical variation, residue mobility, and thermodynamic stability) indicates that this missense variant is expected to disrupt KCNT1 protein function with a positive predictive value of 80%. In summary, the available evidence is currently insufficient to determine the role of this variant in disease. Therefore, it has been classified as a Variant of Uncertain Significance.

NM_020822.3(KCNT1):c.1190C>T (p.Pro397Leu)

Gene: KCNT1 (potassium sodium-activated channel subfamily T member 1; plus strand). Cytogenetic location: 9q34.3.
Variant type: single nucleotide variant.
Coding change: c.1190C>T on transcript NM_020822.3 (MANE Select); coding-DNA position 1190, C replaced by T.
Protein change: p.Pro397Leu; replaces proline 397 with leucine.
Molecular consequence: missense variant.
Genome position (GRCh38, 1-based): chr9:135,765,185, C>T. VCF-style: chr9-135765185-C-T. GRCh37 (hg19) VCF-style: chr9-138657031-C-T.
Other names: c.1055C>T, p.Pro352Leu (NM_001272003.2); short protein forms P352L, P397L.
Identifiers: ClinVar variation 3763963 (VCV003763963.2).
Genomic context (GRCh38, chr9:135,765,185, plus strand): 5'-GTGTCAGCTCCCTCAAGATCGACCTTCTCATGGACTTCCTGAACGAGTTCTACGCCCACC[C>T]CCGGCTCCAGGTGAGGCCCCTTACCGTGGCCCAGCAGACGACTCCCTCCCGGCCCCTAGA-3'
Protein context (NP_065873.2, residues 387-407): MDFLNEFYAH[Pro397Leu]RLQDYYVVIL